The following is an entry in ClinVar:

ClinVar aggregate classification (germline): Uncertain significance (1 of 4 stars; one submission).

Conditions:
Hereditary cancer-predisposing syndrome. Also called: Neoplastic Syndromes, Hereditary; Tumor predisposition; Hereditary Cancer Syndrome; Hereditary neoplastic syndrome. Identifiers: Orphanet 140162, MedGen C0027672, MeSH D009386, MONDO:0015356.

Submission:

Ambry Genetics
Classification: Uncertain significance for Hereditary cancer-predisposing syndrome. Last evaluated: 2015-12-11. Review status: criteria provided, single submitter. Criteria: Ambry Variant Classification Scheme 2023. Collection method: clinical testing. Allele origin: germline.
Comment: The p.T374P variant (also known as c.1120A>C), located in coding exon 9 of the NBN gene, results from an A to C substitution at nucleotide position 1120. The threonine at codon 374 is replaced by proline, an amino acid with highly similar properties. This variant was not reported in population based cohorts in the following databases: Database of Single Nucleotide Polymorphisms (dbSNP), NHLBI Exome Sequencing Project (ESP), and 1000 Genomes Project. In the ESP, this variant was not observed in 6503 samples (13006 alleles) with coverage at this position. To date, this alteration has been detected with an allele frequency of approximately 0.001% (greater than 120000 alleles tested) in our clinical cohort. Based on protein sequence alignment, this amino acid position is well conserved in available vertebrate species. In addition, this alteration is predicted to be tolerated by in silico analysis. Since supporting evidence is limited at this time, the clinical significance of p.T374P remains unclear.

NM_002485.5(NBN):c.1120A>C (p.Thr374Pro)

Gene: NBN (nibrin; minus strand). Cytogenetic location: 8q21.3.
Variant type: single nucleotide variant.
Coding change: c.1120A>C on transcript NM_002485.5 (MANE Select); coding-DNA position 1120, A replaced by C.
Protein change: p.Thr374Pro; replaces threonine 374 with proline.
Molecular consequence: missense variant.
Genome position (GRCh38, 1-based): chr8:89,958,729, T>G on the plus strand (A>C on the coding strand, the complement: NBN is on the minus strand). VCF-style: chr8-89958729-T-G. GRCh37 (hg19) VCF-style: chr8-90970957-T-G.
Other names: c.874A>C, p.Thr292Pro (NM_001024688.3); short protein forms T292P, T374P.
Identifiers: ClinVar variation 1797595 (VCV001797595.2), dbSNP rs1563538477, ClinGen allele CA371656566.